The following is an entry in ClinVar:

ClinVar aggregate classification (somatic clinical impact): Tier II - Potential (0 of 4 stars; one submission).

Conditions:
Colorectal cancer. Also called: Colorectal cancer, somatic; Malignant Colorectal Neoplasm. Identifiers: MedGen C0346629, MONDO:0005575, OMIM 114500.

Submission:

Department of Clinical Biochemistry, Naestved Hospital
Classification: Tier II - Potential for Colorectal cancer. Assertion type: prognostic. Clinical significance: better outcome. Last evaluated: 2024-10-10. Review status: no assertion criteria provided. Collection method: research. Allele origin: somatic.
Comment: Likely loss of function

NM_000038.6(APC):c.4364dup (p.Asn1455fs)

Gene: APC (APC regulator of Wnt signaling pathway; plus strand). Cytogenetic location: 5q22.2.
Variant type: Duplication.
Coding change: c.4364dup on transcript NM_000038.6 (MANE Select); coding-DNA position 4364, one base duplicated (A; older notation c.4364dupA).
Protein change: p.Asn1455fs; shifts the reading frame from asparagine 1455.
Molecular consequence: frameshift variant. On other transcripts: non-coding transcript variant (2).
Genome position (GRCh38, 1-based): chr5:112,839,958, A duplicated; the last of 5 consecutive A bases (chr5:112,839,954-112,839,958); duplicating any one gives the same sequence. VCF-style (leftmost placement, unchanged base first): chr5-112839953-T-TA. GRCh37 (hg19) VCF-style: chr5-112175650-T-TA.
Other names: c.4115dup, p.Asn1372fs (NM_001407454.1, NM_001407455.1, NM_001407456.1 and 1 more transcripts); c.4061dup, p.Asn1354fs (NM_001407458.1, NM_001407459.1, NM_001407460.1 and 1 more transcripts); c.3977dup, p.Asn1326fs (NM_001407467.1, NM_001407469.1); c.3515dup, p.Asn1172fs (NM_001407470.1, NM_001354906.2); c.4364dup, p.Asn1455fs (NM_001127510.3, NM_001354895.2, NM_001407450.1); c.4310dup, p.Asn1437fs (NM_001127511.3); c.4418dup, p.Asn1473fs (NM_001354896.2, NM_001407447.1, NM_001407448.1 and 1 more transcripts); c.4394dup, p.Asn1465fs (NM_001354897.2); and 11 more; short protein forms N1071fs, N1172fs, N1295fs, N1326fs, N1329fs, N1354fs, N1364fs, N1372fs.
Identifiers: ClinVar variation 3897926 (VCV003897926.1).